The following is an entry in ClinVar:

NM_001367823.1(ARHGEF18):c.1557G>C (p.Glu519Asp)

Gene: ARHGEF18 (Rho/Rac guanine nucleotide exchange factor 18; plus strand). Cytogenetic location: 19p13.2.
Variant type: single nucleotide variant.
Coding change: c.1557G>C on transcript NM_001367823.1 (MANE Select); coding-DNA position 1557, G replaced by C.
Protein change: p.Glu519Asp; replaces glutamic acid 519 with aspartic acid.
Molecular consequence: missense variant.
Genome position (GRCh38, 1-based): chr19:7,444,400, G>C. VCF-style: chr19-7444400-G-C. GRCh37 (hg19) VCF-style: chr19-7509286-G-C.
Other names: c.831G>C, p.Glu277Asp (NM_001130955.2); c.519G>C, p.Glu173Asp (NM_001367824.1, NM_015318.4); short protein forms E277D, E173D, E519D.
Identifiers: ClinVar variation 1363515 (VCV001363515.8), dbSNP rs1974864680, ClinGen allele CA403104143.
Genomic context (GRCh38, chr19:7,444,400, plus strand): 5'-GGAGACGCACAGCCACTTCCTCGCTCGGCTCAAGGAGCGCCGCCAGGAGTCCCTGGAGGA[G>C]GGCAGTGACCGGAATTATGTCATCCAGAAAATCGGCGACCTCCTGGTTCAGCAGGTGGGT-3'
Protein context (NP_001354752.1, residues 509-529): LKERRQESLE[Glu519Asp]GSDRNYVIQK

ClinVar aggregate classification (germline): Uncertain significance (1 of 4 stars; one submission).

gnomAD v4.1: 1 of 1,613,720 alleles (0.000062%); highest among the groups gnomAD compares: Non-Finnish European, 0.000085%; no homozygotes.

Submission:

Labcorp Genetics (formerly Invitae), Labcorp
Classification: Uncertain significance. Last evaluated: 2023-05-22. Review status: criteria provided, single submitter. Criteria: Invitae Variant Classification Sherloc (09022015). Collection method: clinical testing. Allele origin: germline.
Comment: This sequence change replaces glutamic acid, which is acidic and polar, with aspartic acid, which is acidic and polar, at codon 331 of the ARHGEF18 protein (p.Glu331Asp). This variant is not present in population databases (gnomAD no frequency). This variant has not been reported in the literature in individuals affected with ARHGEF18-related conditions. ClinVar contains an entry for this variant (Variation ID: 1363515). An algorithm developed to predict the effect of missense changes on protein structure and function (PolyPhen-2) suggests that this variant is likely to be disruptive. In summary, the available evidence is currently insufficient to determine the role of this variant in disease. Therefore, it has been classified as a Variant of Uncertain Significance.